The following is an entry in ClinVar:

ClinVar aggregate classification (germline): Likely benign (0 of 4 stars; one submission).

Conditions:
TAF15-related disorder. Also called: TAF15-related condition.

Submission:

PreventionGenetics, part of Exact Sciences
Classification: Likely benign for TAF15-related condition. Last evaluated: 2023-07-27. Review status: no assertion criteria provided. Collection method: clinical testing. Allele origin: germline.
Comment: This variant is classified as likely benign based on ACMG/AMP sequence variant interpretation guidelines (Richards et al. 2015 PMID: 25741868, with internal and published modifications).

NM_139215.3(TAF15):c.484+6A>G

Gene: TAF15 (TATA-box binding protein associated factor 15; plus strand). Cytogenetic location: 17q12.
Variant type: single nucleotide variant.
Coding change: c.484+6A>G on transcript NM_139215.3 (MANE Select); 6 bases into the intron after coding-DNA position 484, A replaced by G.
Molecular consequence: intron variant.
Genome position (GRCh38, 1-based): chr17:35,822,839, A>G. VCF-style: chr17-35822839-A-G. GRCh37 (hg19) VCF-style: chr17-34149843-A-G.
Other names: c.475+6A>G (NM_003487.4).
Identifiers: ClinVar variation 3352680 (VCV003352680.1).